The following is an entry in ClinVar:

ClinVar aggregate classification (germline): Likely pathogenic (1 of 4 stars; one submission).

Conditions:
Dilated cardiomyopathy 1G (CMD1G). Identifiers: Orphanet 154, MedGen C1858763, MONDO:0011400, OMIM 604145.
Autosomal recessive limb-girdle muscular dystrophy type 2J (LGMDR10). Also called: Limb-girdle muscular dystrophy, type 2J; MUSCULAR DYSTROPHY, LIMB-GIRDLE, AUTOSOMAL RECESSIVE 10. Identifiers: Orphanet 140922, MedGen C1837342, MONDO:0012127, OMIM 608807.

Submission:

Labcorp Genetics (formerly Invitae), Labcorp
Classification: Likely pathogenic for Dilated cardiomyopathy 1G; Autosomal recessive limb-girdle muscular dystrophy type 2J. Last evaluated: 2024-10-18. Review status: criteria provided, single submitter. Criteria: Invitae Variant Classification Sherloc (09022015). Collection method: clinical testing. Allele origin: germline.
Comment: This sequence change creates a premature translational stop signal (p.Ala15471Glyfs*9) in the TTN gene. While this is not anticipated to result in nonsense mediated decay, it is expected to create a truncated TTN protein. This variant is not present in population databases (gnomAD no frequency). This variant has not been observed in the literature in individuals with autosomal recessive TTN-related conditions. This variant has been reported in individual(s) with autosomal dominant cardiomyopathy (internal data); however, the role of the variant in this condition is currently unclear. This variant is located in the I band of TTN (PMID: 25589632). Truncating variants in this region have been reported in individuals affected with autosomal recessive centronuclear myopathy (PMID: 23975875, internal data). Truncating variants in this region have also been identified in individuals affected with autosomal dominant dilated cardiomyopathy and/or cardio-related conditions (PMID: 27869827, 32964742, internal data). In summary, the currently available evidence indicates that the variant is pathogenic, but additional data are needed to prove that conclusively. Therefore, this variant has been classified as Likely Pathogenic.

Literature cited by the submitters: PubMed 25589632; PubMed 23975875; PubMed 27869827; PubMed 32964742.

NM_001267550.2(TTN):c.46385_46406dup (p.Ala15471fs)

Genes: TTN-AS1 (TTN antisense RNA 1; plus strand), TTN (titin; minus strand). Cytogenetic location: 2q31.2.
Variant type: Duplication.
Coding change: c.46385_46406dup on transcript NM_001267550.2 (MANE Select); coding-DNA positions 46385 to 46406, 22 bases duplicated (GCGGGGTAGAAGACAGGAAGTC).
Protein change: p.Ala15471fs; shifts the reading frame from alanine 15471.
Molecular consequence: frameshift variant. On other transcripts: non-coding transcript variant (1).
Genome position (GRCh38, 1-based): chr2:178,620,011-178,620,032, GACTTCCTGTCTTCTACCCCGC duplicated on the plus strand (GCGGGGTAGAAGACAGGAAGTC on the coding strand, the reverse complement: TTN is on the minus strand). VCF-style (leftmost placement, unchanged base first): chr2-178620010-A-AGACTTCCTGTCTTCTACCCCGC. GRCh37 (hg19) VCF-style: chr2-179484737-A-AGACTTCCTGTCTTCTACCCCGC.
Other names: c.41462_41483dup, p.Ala13830fs (NM_001256850.1); c.19190_19211dup, p.Ala6406fs (NM_003319.4); c.38681_38702dup, p.Ala12903fs (NM_133378.4); c.19565_19586dup, p.Ala6531fs (NM_133432.3); c.19766_19787dup, p.Ala6598fs (NM_133437.4); short protein forms A6406fs, A15471fs, A13830fs, A6598fs, A12903fs, A6531fs.
Identifiers: ClinVar variation 2949674 (VCV002949674.3), dbSNP rs2470983451, ClinGen allele CA2740096140.